The following is an entry in ClinVar:

NM_004380.3(CREBBP):c.2906A>T (p.Asp969Val)

Gene: CREBBP (CREB binding lysine acetyltransferase; minus strand). Cytogenetic location: 16p13.3.
Variant type: single nucleotide variant.
Coding change: c.2906A>T on transcript NM_004380.3 (MANE Select); coding-DNA position 2906, A replaced by T.
Protein change: p.Asp969Val; replaces aspartic acid 969 with valine.
Molecular consequence: missense variant.
Genome position (GRCh38, 1-based): chr16:3,769,328, T>A on the plus strand (A>T on the coding strand, the complement: CREBBP is on the minus strand). VCF-style: chr16-3769328-T-A. GRCh37 (hg19) VCF-style: chr16-3819329-T-A.
Other names: c.2792A>T, p.Asp931Val (NM_001079846.1); short protein forms D931V, D969V.
Identifiers: ClinVar variation 2580827 (VCV002580827.2), dbSNP rs767409496, ClinGen allele CA394549887.
Genomic context (GRCh38, chr16:3,769,328, plus strand): 5'-CCTGGCTGCTGGGAATTGGTTTCTGCGCTGGCCACCGAGGAGGGGGTAGGGACTCTGTTA[T>A]CAATGCTGGCTGCTGCCTGGGAAAGCTGTGAAAAAACCGAAAGCACTGACTTCAGTAAGC-3'
Protein context (NP_004371.2, residues 959-979): TPLSQAAASI[Asp969Val]NRVPTPSSVA

ClinVar aggregate classification (germline): Uncertain significance (1 of 4 stars; one submission).

Submission:

GeneDx
Classification: Uncertain significance. Last evaluated: 2024-07-11. Review status: criteria provided, single submitter. Criteria: GeneDx Variant Classification Process June 2021. Collection method: clinical testing. Allele origin: germline.
Comment: Not observed at significant frequency in large population cohorts (gnomAD); In silico analysis supports that this missense variant has a deleterious effect on protein structure/function; Has not been previously published as pathogenic or benign to our knowledge